The following is an entry in ClinVar:

NM_032447.5(FBN3):c.5347A>G (p.Ile1783Val)

Gene: FBN3 (fibrillin 3; minus strand). Cytogenetic location: 19p13.2.
Variant type: single nucleotide variant.
Coding change: c.5347A>G on transcript NM_032447.5 (MANE Select); coding-DNA position 5347, A replaced by G.
Protein change: p.Ile1783Val; replaces isoleucine 1783 with valine.
Molecular consequence: missense variant.
Genome position (GRCh38, 1-based): chr19:8,096,947, T>C on the plus strand (A>G on the coding strand, the complement: FBN3 is on the minus strand). VCF-style: chr19-8096947-T-C. GRCh37 (hg19) VCF-style: chr19-8161831-T-C.
Other names: c.5347A>G, p.Ile1783Val (NM_001321431.2); c.5347A>G (NM_032447.3); short protein forms I1783V.
Identifiers: ClinVar variation 2415644 (VCV002415644.7), dbSNP rs769009575, ClinGen allele CA9151697.

ClinVar aggregate classification (germline): Conflicting classifications of pathogenicity. Review status: criteria provided, conflicting classifications (1 of 4 stars). 2 submissions from 2 submitters: Uncertain significance (1); Likely benign (1). Last evaluated 2025-06-24.

Allele frequency attached by ClinVar (database versions not stated): gnomAD exomes 0.00001; ExAC 0.00003; TOPMed 0.00009; gnomAD 0.00011.
gnomAD v4.1: 26 of 1,613,608 alleles (0.0016%); highest among the groups gnomAD compares: African/African-American, 0.027%; no homozygotes.

Submissions (2):

Labcorp Genetics (formerly Invitae), Labcorp
Classification: Uncertain significance. Last evaluated: 2025-06-24. Review status: criteria provided, single submitter. Criteria: Invitae Variant Classification Sherloc (09022015). Collection method: clinical testing. Allele origin: germline.
Comment: This sequence change replaces isoleucine, which is neutral and non-polar, with valine, which is neutral and non-polar, at codon 1783 of the FBN3 protein (p.Ile1783Val). This variant is present in population databases (rs769009575, gnomAD 0.05%). This variant has not been reported in the literature in individuals affected with FBN3-related conditions. ClinVar contains an entry for this variant (Variation ID: 2415644). Invitae Evidence Modeling of protein sequence and biophysical properties (such as structural, functional, and spatial information, amino acid conservation, physicochemical variation, residue mobility, and thermodynamic stability) indicates that this missense variant is not expected to disrupt FBN3 protein function with a negative predictive value of 80%. In summary, the available evidence is currently insufficient to determine the role of this variant in disease. Therefore, it has been classified as a Variant of Uncertain Significance.

Ambry Genetics
Classification: Likely benign. Last evaluated: 2024-12-17. Review status: criteria provided, single submitter. Criteria: Ambry Variant Classification Scheme 2023. Collection method: clinical testing. Allele origin: germline.